The following is an entry in ClinVar:

NM_000512.5(GALNS):c.567-148C>A

Gene: GALNS (galactosamine (N-acetyl)-6-sulfatase; minus strand). Cytogenetic location: 16q24.3.
Variant type: single nucleotide variant.
Coding change: c.567-148C>A on transcript NM_000512.5 (MANE Select); 148 bases into the intron before coding-DNA position 567, C replaced by A.
Molecular consequence: intron variant.
Genome position (GRCh38, 1-based): chr16:88,836,415, G>T on the plus strand (C>A on the coding strand, the complement: GALNS is on the minus strand). VCF-style: chr16-88836415-G-T. GRCh37 (hg19) VCF-style: chr16-88902823-G-T.
Other names: c.12-148C>A (NM_001323543.2); c.585-148C>A (NM_001323544.2).
Identifiers: ClinVar variation 672057 (VCV000672057.2), dbSNP rs11076723, ClinGen allele CA14305877.

ClinVar aggregate classification (germline): Benign. Review status: criteria provided, multiple submitters, no conflicts (2 of 4 stars). 2 submissions from 2 submitters: Benign (2). Last evaluated 2018-06-19.

Allele frequency attached by ClinVar (database versions not stated): gnomAD 0.25040 and 0.25554; TOPMed 0.25613; gnomAD exomes 0.28240; 1000 Genomes Project 30x 0.30856; 1000 Genomes Project 0.31470.

Submissions (2):

GeneDx
Classification: Benign. Last evaluated: 2018-06-19. Review status: criteria provided, single submitter. Criteria: GeneDx Variant Classification (06012015). Collection method: clinical testing. Allele origin: germline. Affected: yes.
Comment: This variant is considered likely benign or benign based on one or more of the following criteria: it is a conservative change, it occurs at a poorly conserved position in the protein, it is predicted to be benign by multiple in silico algorithms, and/or has population frequency not consistent with disease.

Breakthrough Genomics
Classification: Benign. Review status: criteria provided, single submitter. Criteria: ACMG Guidelines, 2015. Collection method: not provided. Allele origin: germline. Inheritance: Autosomal recessive inheritance. Affected: yes.